The following is an entry in ClinVar:

ClinVar aggregate classification (germline): Benign/Likely benign. Review status: criteria provided, multiple submitters, no conflicts (2 of 4 stars). 3 submissions from 3 submitters: Benign (1); Likely benign (2). Last evaluated 2026-01-06.

Conditions:
Hereditary diffuse gastric adenocarcinoma (HDGC). Also called: DIFFUSE GASTRIC AND LOBULAR BREAST CANCER SYNDROME. Identifiers: Orphanet 26106, MedGen C1708349, MONDO:0007648, OMIM 137215.
Hereditary cancer-predisposing syndrome. Also called: Hereditary neoplastic syndrome; Tumor predisposition; Neoplastic Syndromes, Hereditary; Hereditary Cancer Syndrome. Identifiers: Orphanet 140162, MedGen C0027672, MeSH D009386, MONDO:0015356.

gnomAD v4.1: 1 of 1,613,880 alleles (0.000062%); highest among the groups gnomAD compares: Non-Finnish European, 0.000085%; no homozygotes.

Submissions (3):

Labcorp Genetics (formerly Invitae), Labcorp
Classification: Likely benign. Last evaluated: 2026-01-06. Review status: criteria provided, single submitter. Criteria: Invitae Variant Classification Sherloc (09022015). Collection method: clinical testing. Allele origin: germline.

Myriad Genetics, Inc.
Classification: Benign for Hereditary diffuse gastric adenocarcinoma. Last evaluated: 2024-10-10. Review status: criteria provided, single submitter. Criteria: Myriad Autosomal Dominant, Autosomal Recessive and X-Linked Classification Criteria (2023). Collection method: clinical testing. Allele origin: unknown.
Comment: This variant is considered benign. This variant is a silent/synonymous amino acid change and it is not expected to impact splicing.

Ambry Genetics
Classification: Likely benign for Hereditary cancer-predisposing syndrome. Last evaluated: 2023-01-23. Review status: criteria provided, single submitter. Criteria: Ambry Variant Classification Scheme 2023. Collection method: clinical testing. Allele origin: germline.

NM_001903.5(CTNNA1):c.546T>C (p.Pro182=)

Gene: CTNNA1 (catenin alpha 1; plus strand). Cytogenetic location: 5q31.2.
Variant type: single nucleotide variant.
Coding change: c.546T>C on transcript NM_001903.5 (MANE Select); coding-DNA position 546, T replaced by C.
Protein change: p.Pro182=; no amino-acid change (proline 182 retained).
Molecular consequence: synonymous variant.
Genome position (GRCh38, 1-based): chr5:138,812,260, T>C. VCF-style: chr5-138812260-T-C. GRCh37 (hg19) VCF-style: chr5-138147949-T-C.
Other names: c.546T>C (NM_001903.2); c.546T>C, p.Pro182= (NM_001290307.3, NM_001323982.2, NM_001323983.1 and 3 more transcripts); c.237T>C, p.Pro79= (NM_001290309.3); c.177T>C, p.Pro59= (NM_001290310.3).
Identifiers: ClinVar variation 1108534 (VCV001108534.11), dbSNP rs28363395, ClinGen allele CA446591415.